The following is an entry in ClinVar:

NM_182961.4(SYNE1):c.24839C>G (p.Ser8280Cys)

Gene: SYNE1 (spectrin repeat containing nuclear envelope protein 1; minus strand). Cytogenetic location: 6q25.2.
Variant type: single nucleotide variant.
Coding change: c.24839C>G on transcript NM_182961.4 (MANE Select); coding-DNA position 24839, C replaced by G.
Protein change: p.Ser8280Cys; replaces serine 8280 with cysteine.
Molecular consequence: missense variant.
Genome position (GRCh38, 1-based): chr6:152,148,182, G>C on the plus strand (C>G on the coding strand, the complement: SYNE1 is on the minus strand). VCF-style: chr6-152148182-G-C. GRCh37 (hg19) VCF-style: chr6-152469317-G-C.
Other names: c.1445C>G, p.Ser482Cys (NM_001347701.2); c.1304C>G, p.Ser435Cys (NM_001347702.2); c.24626C>G, p.Ser8209Cys (NM_033071.5); short protein forms S8209C, S435C, S482C, S8280C.
Identifiers: ClinVar variation 1393032 (VCV001393032.6), dbSNP rs1480247904, ClinGen allele CA366085163.

ClinVar aggregate classification (germline): Uncertain significance (1 of 4 stars; one submission).

Conditions:
Emery-Dreifuss muscular dystrophy 4, autosomal dominant (EDMD4). Also called: EMERY-DREIFUSS MUSCULAR DYSTROPHY 4 WITH VARIABLE FEATURES. Identifiers: Orphanet 261, MedGen C2751807, MONDO:0013071, OMIM 612998.
Autosomal recessive ataxia, Beauce type. Also called: SYNE1-Related Autosomal Recessive Cerebellar Ataxia; Spinocerebellar ataxia, autosomal recessive 8; ATAXIA, RECESSIVE, OF BEAUCE; SYNE1 Deficiency. Identifiers: Orphanet 88644, MedGen C1853116, MONDO:0012549, OMIM 610743.

Allele frequency attached by ClinVar (database versions not stated): gnomAD exomes below 0.00001; gnomAD 0.00001; TOPMed 0.00001.
gnomAD v4.1: 3 of 1,614,070 alleles (0.00019%); highest among the groups gnomAD compares: Admixed American, 0.005%; no homozygotes.

Submission:

Labcorp Genetics (formerly Invitae), Labcorp
Classification: Uncertain significance for Emery-Dreifuss muscular dystrophy 4, autosomal dominant; Autosomal recessive ataxia, Beauce type. Last evaluated: 2024-02-24. Review status: criteria provided, single submitter. Criteria: Invitae Variant Classification Sherloc (09022015). Collection method: clinical testing. Allele origin: germline.
Comment: This sequence change replaces serine, which is neutral and polar, with cysteine, which is neutral and slightly polar, at codon 8209 of the SYNE1 protein (p.Ser8209Cys). This variant is present in population databases (no rsID available, gnomAD 0.003%). This variant has not been reported in the literature in individuals affected with SYNE1-related conditions. ClinVar contains an entry for this variant (Variation ID: 1393032). An algorithm developed to predict the effect of missense changes on protein structure and function (PolyPhen-2) suggests that this variant is likely to be disruptive. In summary, the available evidence is currently insufficient to determine the role of this variant in disease. Therefore, it has been classified as a Variant of Uncertain Significance.